The following is an entry in ClinVar:

ClinVar aggregate classification (germline): Likely benign (1 of 4 stars; one submission).

Conditions:
PDE12-related condition.

gnomAD v4.1: 7 of 1,613,234 alleles (0.00043%); highest among the groups gnomAD compares: East Asian, 0.0022%; no homozygotes.

Submission:

PreventionGenetics, part of Exact Sciences
Classification: Likely benign for PDE12-related condition. Last evaluated: 2026-05-12. Review status: criteria provided, single submitter. Criteria: ACMG Guidelines, 2015. Collection method: clinical testing. Allele origin: germline.
Comment: This variant is classified as likely benign based on ACMG/AMP sequence variant interpretation guidelines (Richards et al. 2015 PMID: 25741868, with internal and published modifications).

NM_177966.7(PDE12):c.117A>G (p.Val39=)

Genes: PDE12 (phosphodiesterase 12; plus strand), LOC129936928 (ATAC-STARR-seq lymphoblastoid active region 19987; plus strand). Cytogenetic location: 3p14.3.
Variant type: single nucleotide variant.
Coding change: c.117A>G on transcript NM_177966.7 (MANE Select); coding-DNA position 117, A replaced by G.
Protein change: p.Val39=; no amino-acid change (valine 39 retained).
Molecular consequence: synonymous variant.
Genome position (GRCh38, 1-based): chr3:57,556,496, A>G. VCF-style: chr3-57556496-A-G. GRCh37 (hg19) VCF-style: chr3-57542223-A-G.
Other names: c.117A>G, p.Val39= (NM_001322176.2, NM_001322177.2).
Identifiers: ClinVar variation 4979060 (VCV004979060.1).
Genomic context (GRCh38, chr3:57,556,496, plus strand): 5'-GAAGCTGAGCCGGGCTGAAGCGGGGAGCCAGACAGCGGCGGGAGCGATGGAGCGCGCTGT[A>G]GTGCGCTGCGTACCTTCGGAACCCAAGCTGAGCCTGTCATTCGCTTTGGCTGATGGTAGC-3'
Protein context (NP_808881.3, residues 29-49): QTAAGAMERA[Val39=]VRCVPSEPKL